The following is an entry in ClinVar:

NM_032043.3(BRIP1):c.770C>G (p.Ala257Gly)

Gene: BRIP1 (BRCA1 interacting DNA helicase 1; minus strand). Cytogenetic location: 17q23.2.
Variant type: single nucleotide variant.
Coding change: c.770C>G on transcript NM_032043.3 (MANE Select); coding-DNA position 770, C replaced by G.
Protein change: p.Ala257Gly; replaces alanine 257 with glycine.
Molecular consequence: missense variant.
Genome position (GRCh38, 1-based): chr17:61,808,615, G>C on the plus strand (C>G on the coding strand, the complement: BRIP1 is on the minus strand). VCF-style: chr17-61808615-G-C. GRCh37 (hg19) VCF-style: chr17-59885976-G-C.
Other names: short protein forms A257G.
Identifiers: ClinVar variation 483176 (VCV000483176.5), dbSNP rs1555609260, ClinGen allele CA400484944.

ClinVar aggregate classification (germline): Uncertain significance (1 of 4 stars; one submission).

Conditions:
Hereditary cancer-predisposing syndrome. Also called: Neoplastic Syndromes, Hereditary; Tumor predisposition; Hereditary Cancer Syndrome; Hereditary neoplastic syndrome. Identifiers: Orphanet 140162, MedGen C0027672, MeSH D009386, MONDO:0015356.

Submission:

Ambry Genetics
Classification: Uncertain significance for Hereditary cancer-predisposing syndrome. Last evaluated: 2016-11-02. Review status: criteria provided, single submitter. Criteria: Ambry Variant Classification Scheme 2023. Collection method: clinical testing. Allele origin: germline.
Comment: The p.A257G variant (also known as c.770C>G), located in coding exon 6 of the BRIP1 gene, results from a C to G substitution at nucleotide position 770. The alanine at codon 257 is replaced by glycine, an amino acid with similar properties. This variant was not reported in population based cohorts in the following databases: Database of Single Nucleotide Polymorphisms (dbSNP), NHLBI Exome Sequencing Project (ESP), and 1000 Genomes Project. In the ESP, this variant was not observed in 6503 samples (13006 alleles) with coverage at this position. To date, this alteration has been detected with an allele frequency of approximately 0.001% (greater than 175000 alleles tested) in our clinical cohort. This amino acid position is not well conserved in available vertebrate species. In addition, this alteration is predicted to be tolerated by in silico analysis. Since supporting evidence is limited at this time, the clinical significance of this alteration remains unclear.